The following is an entry in ClinVar:

NM_000548.5(TSC2):c.4570-20C>T

Gene: TSC2 (TSC complex subunit 2; plus strand). Cytogenetic location: 16p13.3.
Variant type: single nucleotide variant.
Coding change: c.4570-20C>T on transcript NM_000548.5 (MANE Select); 20 bases into the intron before coding-DNA position 4570, C replaced by T.
Molecular consequence: intron variant.
Genome position (GRCh38, 1-based): chr16:2,085,210, C>T. VCF-style: chr16-2085210-C-T. GRCh37 (hg19) VCF-style: chr16-2135211-C-T.
Other names: c.4501-20C>T (NM_001114382.3); c.4441-20C>T (NM_021055.3, NM_001370405.1); c.4372-20C>T (NM_001363528.2); c.4438-20C>T (NM_001370404.1); c.4369-20C>T (NM_001077183.3); c.4261-20C>T (NM_001318827.2); c.3838-20C>T (NM_001318831.2); c.4225-20C>T (NM_001318829.2); and 1 more.
Identifiers: ClinVar variation 1511623 (VCV001511623.9), dbSNP rs761324622, ClinGen allele CA051717.
Genomic context (GRCh38, chr16:2,085,210, plus strand): 5'-AGCCTGCCGTGACCGGCCTGGGTGGGGCGGCCTCCTGTGGACGGGCGTCTGGGGCTCAGG[C>T]AGGGCTCTGTGTGCCACAGTCACAGTCCTTTGAGCGGTCGGTGCAGCTCCTCGACCAGAT-3'

ClinVar aggregate classification (germline): Likely benign. Review status: criteria provided, multiple submitters, no conflicts (2 of 4 stars). 2 submissions from 2 submitters: Likely benign (2). Last evaluated 2025-11-10.

Conditions:
Tuberous sclerosis 2 (TSC2). Identifiers: Orphanet 805, MedGen C1860707, MONDO:0013199, OMIM 613254.

Allele frequency attached by ClinVar (database versions not stated): TOPMed below 0.00001; ExAC 0.00001; gnomAD 0.00001; gnomAD exomes 0.00002.
gnomAD v4.1: 31 of 1,612,468 alleles (0.0019%); highest among the groups gnomAD compares: South Asian, 0.0033%; no homozygotes.

Submissions (2):

Labcorp Genetics (formerly Invitae), Labcorp
Classification: Likely benign for Tuberous sclerosis 2. Last evaluated: 2025-11-10. Review status: criteria provided, single submitter. Criteria: Invitae Variant Classification Sherloc (09022015). Collection method: clinical testing. Allele origin: germline.

Myriad Genetics, Inc.
Classification: Likely benign for Tuberous sclerosis 2. Last evaluated: 2025-06-04. Review status: criteria provided, single submitter. Criteria: Myriad Autosomal Dominant, Autosomal Recessive and X-Linked Classification Criteria (2023). Collection method: clinical testing. Allele origin: unknown.
Comment: This variant is considered likely benign. This variant is intronic and is not expected to impact mRNA splicing.